The following is an entry in ClinVar:

NM_001267550.2(TTN):c.60205T>C (p.Cys20069Arg)

Genes: TTN (titin; minus strand), TTN-AS1 (TTN antisense RNA 1; plus strand), LOC126806424 (CDK7 strongly-dependent group 2 enhancer GRCh37_chr2:179456337-179457536; plus strand). Cytogenetic location: 2q31.2.
Variant type: single nucleotide variant.
Coding change: c.60205T>C on transcript NM_001267550.2 (MANE Select); coding-DNA position 60205, T replaced by C.
Protein change: p.Cys20069Arg; replaces cysteine 20069 with arginine.
Molecular consequence: missense variant.
Genome position (GRCh38, 1-based): chr2:178,591,614, A>G on the plus strand (T>C on the coding strand, the complement: TTN is on the minus strand). VCF-style: chr2-178591614-A-G. GRCh37 (hg19) VCF-style: chr2-179456341-A-G.
Other names: c.55282T>C, p.Cys18428Arg (NM_001256850.1); c.33010T>C, p.Cys11004Arg (NM_003319.4); c.52501T>C, p.Cys17501Arg (NM_133378.4); c.33385T>C, p.Cys11129Arg (NM_133432.3); c.33586T>C, p.Cys11196Arg (NM_133437.4); short protein forms C17501R, C18428R, C11129R, C11196R, C11004R, C20069R.
Identifiers: ClinVar variation 1729982 (VCV001729982.7), dbSNP rs771201679, ClinGen allele CA1992539.

ClinVar aggregate classification (germline): Conflicting classifications of pathogenicity. Review status: criteria provided, conflicting classifications (1 of 4 stars). 4 submissions from 4 submitters: Uncertain significance (3); Likely benign (1). Last evaluated 2025-06-10.

Conditions:
TTN-related disorder. Also called: TTN-related disorders; TTN-related condition; TTN-related disease.
Cardiovascular phenotype. Identifiers: MedGen CN230736.

Allele frequency attached by ClinVar (database versions not stated): ExAC 0.00002; gnomAD exomes 0.00002; gnomAD 0.00004; TOPMed 0.00004.
gnomAD v4.1: 39 of 1,611,880 alleles (0.0024%); highest among the groups gnomAD compares: Non-Finnish European, 0.0029%; no homozygotes.

Submissions (4):

PreventionGenetics, part of Exact Sciences
Classification: Uncertain significance for TTN-related condition. Last evaluated: 2025-06-10. Review status: criteria provided, single submitter. Criteria: ACMG Guidelines, 2015. Collection method: clinical testing. Allele origin: germline.
Comment: The TTN c.60205T>C variant is predicted to result in the amino acid substitution p.Cys20069Arg. To our knowledge, this variant has not been reported in the literature. This variant is reported in 0.0027% of alleles in individuals of European (Non-Finnish) descent in gnomAD. At this time, the clinical significance of this variant is uncertain due to the absence of conclusive functional and genetic evidence.

Revvity Omics, Revvity
Classification: Uncertain significance. Last evaluated: 2025-02-26. Review status: criteria provided, single submitter. Criteria: ACMG Guidelines, 2015. Collection method: clinical testing. Allele origin: germline.

ARUP Laboratories, Molecular Genetics and Genomics, ARUP Laboratories
Classification: Uncertain significance. Last evaluated: 2022-03-17. Review status: criteria provided, single submitter. Criteria: ARUP Molecular Germline Variant Investigation Process 2021. Collection method: clinical testing. Allele origin: germline.

Ambry Genetics
Classification: Likely benign for Cardiovascular phenotype. Last evaluated: 2020-09-11. Review status: criteria provided, single submitter. Criteria: Ambry Variant Classification Scheme 2023. Collection method: clinical testing. Allele origin: germline.